The following is an entry in ClinVar:

ClinVar aggregate classification (germline): Uncertain significance (1 of 4 stars; one submission).

Conditions:
Cardiovascular phenotype. Identifiers: MedGen CN230736.

Allele frequency attached by ClinVar (database versions not stated): gnomAD exomes below 0.00001.
gnomAD v4.1: 2 of 1,613,452 alleles (0.00012%); highest among the groups gnomAD compares: Non-Finnish European, 0.00017%; no homozygotes.

Submission:

Ambry Genetics
Classification: Uncertain significance for Cardiovascular phenotype. Last evaluated: 2024-02-18. Review status: criteria provided, single submitter. Criteria: Ambry Variant Classification Scheme 2023. Collection method: clinical testing. Allele origin: germline.
Comment: The p.T2347A variant (also known as c.7039A>G), located in coding exon 19 of the TNXB gene, results from an A to G substitution at nucleotide position 7039. The threonine at codon 2347 is replaced by alanine, an amino acid with similar properties. This amino acid position is conserved. In addition, this alteration is predicted to be tolerated by in silico analysis. Based on the available evidence, the clinical significance of this alteration remains unclear.

NM_001365276.2(TNXB):c.7039A>G (p.Thr2347Ala)

Gene: TNXB (tenascin XB; minus strand). Cytogenetic location: 6p21.33.
Variant type: single nucleotide variant.
Coding change: c.7039A>G on transcript NM_001365276.2 (MANE Select); coding-DNA position 7039, A replaced by G.
Protein change: p.Thr2347Ala; replaces threonine 2347 with alanine.
Molecular consequence: missense variant.
Genome position (GRCh38, 1-based): chr6:32,062,286, T>C on the plus strand (A>G on the coding strand, the complement: TNXB is on the minus strand). VCF-style: chr6-32062286-T-C. GRCh37 (hg19) VCF-style: chr6-32030063-T-C.
Other names: c.7780A>G, p.Thr2594Ala (NM_001428335.1); c.7039A>G, p.Thr2347Ala (NM_019105.8); short protein forms T2347A, T2594A.
Identifiers: ClinVar variation 3227313 (VCV003227313.1), dbSNP rs2483517726, ClinGen allele CA363554016.